The following is an entry in ClinVar:

ClinVar aggregate classification (germline): Uncertain significance (1 of 4 stars; one submission).

Submission:

Ambry Genetics
Classification: Uncertain significance. Last evaluated: 2026-07-11. Review status: criteria provided, single submitter. Criteria: Ambry Variant Classification Scheme 2023. Collection method: clinical testing. Allele origin: germline.
Comment: The p.V1593L variant (also known as c.4777G>T), located in coding exon 42 of the KIF1B gene, results from a G to T substitution at nucleotide position 4777. The valine at codon 1593 is replaced by leucine, an amino acid with highly similar properties. This amino acid position is conserved. In addition, this alteration is predicted to be tolerated by in silico analysis. Based on the available evidence, the clinical significance of this variant remains unclear.

NM_001365951.3(KIF1B):c.4915G>T (p.Val1639Leu)

Gene: KIF1B (kinesin family member 1B; plus strand). Cytogenetic location: 1p36.22.
Variant type: single nucleotide variant.
Coding change: c.4915G>T on transcript NM_001365951.3 (MANE Select); coding-DNA position 4915, G replaced by T.
Protein change: p.Val1639Leu; replaces valine 1639 with leucine.
Molecular consequence: missense variant.
Genome position (GRCh38, 1-based): chr1:10,371,231, G>T. VCF-style: chr1-10371231-G-T. GRCh37 (hg19) VCF-style: chr1-10431289-G-T.
Other names: c.4915G>T, p.Val1639Leu (NM_001365952.1); c.4777G>T, p.Val1593Leu (NM_015074.3); short protein forms V1593L, V1639L.
Identifiers: ClinVar variation 5023190 (VCV005023190.1).